The following is an entry in ClinVar:

ClinVar aggregate classification (germline): Benign. Review status: criteria provided, multiple submitters, no conflicts (2 of 4 stars). 4 submissions from 4 submitters: Benign (4). Last evaluated 2026-02-04.

Conditions:
Fraser syndrome 1 (FRASRS1). Also called: CRYPTOPHTHALMOS WITH OTHER MALFORMATIONS. Identifiers: Orphanet 2052, MedGen C4551480, MONDO:0054737, OMIM 219000.

Allele frequency attached by ClinVar (database versions not stated): 1000 Genomes Project 0.06769; 1000 Genomes Project 30x 0.07058; ESP Exome Variant Server 0.07128; TOPMed 0.07570.
gnomAD v4.1: 47,749 of 1,613,774 alleles (3%); highest among the groups gnomAD compares: African/African-American, 18%; 1,715 homozygotes.

Submissions (4):

Labcorp Genetics (formerly Invitae), Labcorp
Classification: Benign. Last evaluated: 2026-02-04. Review status: criteria provided, single submitter. Criteria: Invitae Variant Classification Sherloc (09022015). Collection method: clinical testing. Allele origin: germline.

Mayo Clinic Laboratories, Mayo Clinic
Classification: Benign. Last evaluated: 2023-01-29. Review status: criteria provided, single submitter. Criteria: ACMG Guidelines, 2015. Collection method: clinical testing. Allele origin: germline. Observed: 12 variant alleles.

Illumina Laboratory Services, Illumina
Classification: Benign for Fraser syndrome 1. Last evaluated: 2018-01-13. Review status: criteria provided, single submitter. Criteria: ICSL Variant Classification Criteria 13 December 2019. Collection method: clinical testing. Allele origin: germline.
Comment: This variant was observed in the ICSL laboratory as part of a predisposition screen in an ostensibly healthy population. It had not been previously curated by ICSL or reported in the Human Gene Mutation Database (HGMD: prior to June 1st, 2018), and was therefore a candidate for classification through an automated scoring system. Utilizing variant allele frequency, disease prevalence and penetrance estimates, and inheritance mode, an automated score was calculated to assess if this variant is too frequent to cause the disease. Based on the score and internal cut-off values, a variant classified as benign is not then subjected to further curation. The score for this variant resulted in a classification of benign for this disease.

Breakthrough Genomics
Classification: Benign. Review status: criteria provided, single submitter. Criteria: ACMG Guidelines, 2015. Collection method: not provided. Allele origin: germline. Inheritance: Autosomal recessive inheritance. Affected: yes.

NM_025074.7(FRAS1):c.2313G>T (p.Pro771=)

Gene: FRAS1 (Fraser extracellular matrix complex subunit 1; plus strand). Cytogenetic location: 4q21.21.
Variant type: single nucleotide variant.
Coding change: c.2313G>T on transcript NM_025074.7 (MANE Select); coding-DNA position 2313, G replaced by T.
Protein change: p.Pro771=; no amino-acid change (proline 771 retained).
Molecular consequence: synonymous variant.
Genome position (GRCh38, 1-based): chr4:78,337,708, G>T. VCF-style: chr4-78337708-G-T. GRCh37 (hg19) VCF-style: chr4-79258862-G-T.
Other names: p.Pro771=; c.2313G>T, p.Pro771= (NM_001166133.2).
Identifiers: ClinVar variation 349694 (VCV000349694.14), dbSNP rs396790, ClinGen allele CA2976611.
Genomic context (GRCh38, chr4:78,337,708, plus strand): 5'-AATCCTGGTTTTCGTCCCCCTGCCAGAGTGTCACCCAACCTGCAGGCAGTGTCATGGGCC[G>T]TTGGAGTCTGACTGCATCTCCTGTTACCCTCACATCTCTCTTACCAATGGTAACTGCAGG-3'
Protein context (NP_079350.5, residues 761-781): CHPTCRQCHG[Pro771=]LESDCISCYP